The following is an entry in ClinVar:

ClinVar aggregate classification (germline): Uncertain significance. Review status: criteria provided, multiple submitters, no conflicts (2 of 4 stars). 2 submissions from 2 submitters: Uncertain significance (2). Last evaluated 2021-08-02.

Conditions:
Inborn genetic diseases. Identifiers: MedGen C0950123, MeSH D030342.

Submissions (2):

Labcorp Genetics (formerly Invitae), Labcorp
Classification: Uncertain significance. Last evaluated: 2021-08-02. Review status: criteria provided, single submitter. Criteria: Invitae Variant Classification Sherloc (09022015). Collection method: clinical testing. Allele origin: germline.
Comment: Advanced modeling of protein sequence and biophysical properties (such as structural, functional, and spatial information, amino acid conservation, physicochemical variation, residue mobility, and thermodynamic stability) performed at Invitae indicates that this missense variant is not expected to disrupt NEFH protein function. In summary, the available evidence is currently insufficient to determine the role of this variant in disease. Therefore, it has been classified as a Variant of Uncertain Significance. This variant has not been reported in the literature in individuals affected with NEFH-related conditions. The frequency data for this variant in the population databases is considered unreliable, as metrics indicate insufficient coverage at this position in the ExAC database. This sequence change replaces alanine with threonine at codon 71 of the NEFH protein (p.Ala71Thr). The alanine residue is weakly conserved and there is a small physicochemical difference between alanine and threonine.

Ambry Genetics
Classification: Uncertain significance for Inborn genetic diseases. Last evaluated: 2019-12-19. Review status: criteria provided, single submitter. Criteria: Ambry Variant Classification Scheme 2023. Collection method: clinical testing. Allele origin: germline.
Comment: The p.A71T variant (also known as c.211G>A), located in coding exon 1 of the NEFH gene, results from a G to A substitution at nucleotide position 211. The alanine at codon 71 is replaced by threonine, an amino acid with similar properties. This amino acid position is poorly conserved in available vertebrate species. In addition, this alteration is predicted to be tolerated by in silico analysis. Since supporting evidence is limited at this time, the clinical significance of this alteration remains unclear.

NM_021076.4(NEFH):c.211G>A (p.Ala71Thr)

Gene: NEFH (neurofilament heavy chain; plus strand). Cytogenetic location: 22q12.2.
Variant type: single nucleotide variant.
Coding change: c.211G>A on transcript NM_021076.4 (MANE Select); coding-DNA position 211, G replaced by A.
Protein change: p.Ala71Thr; replaces alanine 71 with threonine.
Molecular consequence: missense variant.
Genome position (GRCh38, 1-based): chr22:29,480,473, G>A. VCF-style: chr22-29480473-G-A. GRCh37 (hg19) VCF-style: chr22-29876462-G-A.
Other names: short protein forms A71T.
Identifiers: ClinVar variation 1407359 (VCV001407359.8), dbSNP rs1377765655, ClinGen allele CA411121984.